The following is an entry in ClinVar:

NM_174936.4(PCSK9):c.2051T>A (p.Leu684Gln)

Gene: PCSK9 (proprotein convertase subtilisin/kexin type 9; plus strand). Cytogenetic location: 1p32.3.
Variant type: single nucleotide variant.
Coding change: c.2051T>A on transcript NM_174936.4 (MANE Select); coding-DNA position 2051, T replaced by A.
Protein change: p.Leu684Gln; replaces leucine 684 with glutamine.
Molecular consequence: missense variant.
Genome position (GRCh38, 1-based): chr1:55,063,556, T>A. VCF-style: chr1-55063556-T-A. GRCh37 (hg19) VCF-style: chr1-55529229-T-A.
Other names: c.2174T>A, p.Leu725Gln (NM_001407240.1); c.2093T>A, p.Leu698Gln (NM_001407241.1); c.2054T>A, p.Leu685Gln (NM_001407242.1); c.1994T>A, p.Leu665Gln (NM_001407243.1); c.1877T>A, p.Leu626Gln (NM_001407244.1); c.1859T>A, p.Leu620Gln (NM_001407245.1); c.1676T>A, p.Leu559Gln (NM_001407246.1); c.1550T>A, p.Leu517Gln (NM_001407247.1); short protein forms L684Q, L620Q, L517Q, L559Q, L685Q, L698Q, L725Q, L626Q.
Identifiers: ClinVar variation 627977 (VCV000627977.5), dbSNP rs1557509907, ClinGen allele CA340480907.

ClinVar aggregate classification (germline): Uncertain significance (1 of 4 stars; one submission).

Conditions:
Familial hypercholesterolemia. Also called: Familial hypercholesterolaemia. Identifiers: MedGen C0020445, MONDO:0005439.

Submission:

Color Diagnostics, LLC DBA Color Health
Classification: Uncertain significance for Familial hypercholesterolemia. Last evaluated: 2023-12-05. Review status: criteria provided, single submitter. Criteria: ACMG Guidelines, 2015. Collection method: clinical testing. Allele origin: germline.
Comment: Variant of Uncertain Significance due to insufficient evidence: This missense variant is located in the CM3 C-terminal domain of the PCSK9 protein. Computational prediction tools and conservation analyses suggest that this variant may not impact the protein function. Computational splicing tools suggest that this variant may not impact the RNA splicing. To our knowledge, functional assays have not been performed for this variant nor has the variant been reported in individuals affected with familial hypercholesterolemia in the literature. This variant is rare in the general population and has been identified in 0/277264 chromosomes by the Genome Aggregation Database (gnomAD). Available evidence is insufficient to determine the pathogenicity of this variant conclusively.